The following is an entry in ClinVar:

NM_031471.6(FERMT3):c.736G>A (p.Ala246Thr)

Gene: FERMT3 (FERM domain containing kindlin 3; plus strand). Cytogenetic location: 11q13.1.
Variant type: single nucleotide variant.
Coding change: c.736G>A on transcript NM_031471.6 (MANE Select); coding-DNA position 736, G replaced by A.
Protein change: p.Ala246Thr; replaces alanine 246 with threonine.
Molecular consequence: missense variant.
Genome position (GRCh38, 1-based): chr11:64,211,697, G>A. VCF-style: chr11-64211697-G-A. GRCh37 (hg19) VCF-style: chr11-63979169-G-A.
Other names: p.Ala246Thr; c.736G>A, p.Ala246Thr (NM_001382361.1, NM_001382362.1, NM_001382448.1 and 1 more transcripts); c.196G>A, p.Ala66Thr (NM_001382363.1, NM_001382364.1); short protein forms A246T, A66T.
Identifiers: ClinVar variation 625947 (VCV000625947.22), dbSNP rs150869428, ClinGen allele CA6068879.

ClinVar aggregate classification (germline): Conflicting classifications of pathogenicity. Review status: criteria provided, conflicting classifications (1 of 4 stars). 8 submissions from 8 submitters: Uncertain significance (2); Benign (2); Likely benign (3). 1 of the submissions does not count toward it. Last evaluated 2026-02-01.

Conditions:
Inborn genetic diseases. Identifiers: MedGen C0950123, MeSH D030342.
Leukocyte adhesion deficiency 3. Also called: INTEGRIN ACTIVATION DEFICIENCY DISEASE; LEUKOCYTE ADHESION DEFICIENCY 1 VARIANT; Leukocyte adhesion deficiency, type III. Identifiers: Orphanet 2968, Orphanet 99844, MedGen C2748536, MONDO:0013016, OMIM 612840.
FERMT3-related disorder. Also called: FERMT3-related condition.

Allele frequency attached by ClinVar (database versions not stated): gnomAD exomes 0.00019 and 0.00050; ExAC 0.00059; 1000 Genomes Project 0.00140; 1000 Genomes Project 30x 0.00156; TOPMed 0.00211; gnomAD 0.00221 and 0.00235; ESP Exome Variant Server 0.00269.
gnomAD v4.1: 609 of 1,614,178 alleles (0.038%); highest among the groups gnomAD compares: African/African-American, 0.73%; 3 homozygotes.

Submissions (8):

Labcorp Genetics (formerly Invitae), Labcorp
Classification: Benign for Leukocyte adhesion deficiency 3. Last evaluated: 2026-02-01. Review status: criteria provided, single submitter. Criteria: Invitae Variant Classification Sherloc (09022015). Collection method: clinical testing. Allele origin: germline.

Women's Health and Genetics/Laboratory Corporation of America, LabCorp
Classification: Likely benign. Last evaluated: 2026-01-29. Review status: criteria provided, single submitter. Criteria: LabCorp Variant Classification Summary - May 2015. Collection method: clinical testing. Allele origin: germline.
Comment: Variant summary: FERMT3 c.736G>A (p.Ala246Thr) results in a non-conservative amino acid change in the encoded protein sequence. Algorithms developed to predict the effect of missense changes on protein structure and function are either unavailable or do not agree on the potential impact of this missense change. The variant allele was found at a frequency of 0.0005 in 251406 control chromosomes, predominantly at a frequency of 0.007 within the African or African-American subpopulation in the gnomAD database. The observed variant frequency within African or African-American control individuals in the gnomAD database exceeds the estimated maximal expected allele frequency for disease-causing variants in FERMT3. To our knowledge, no occurrence of c.736G>A in individuals affected with FERMT3-related conditions and no experimental evidence demonstrating its impact on protein function have been reported. ClinVar contains an entry for this variant (Variation ID: 625947). Based on the evidence outlined above, the variant was classified as likely benign.

Mayo Clinic Laboratories, Mayo Clinic
Classification: Benign. Last evaluated: 2025-10-02. Review status: criteria provided, single submitter. Criteria: ACMG Guidelines, 2015. Collection method: clinical testing. Allele origin: germline. Observed: 1 variant allele.
Comment: BS1, BS2, BP4_moderate

GeneDx
Classification: Uncertain significance. Last evaluated: 2025-03-08. Review status: criteria provided, single submitter. Criteria: GeneDx Variant Classification Process June 2021. Collection method: clinical testing. Allele origin: germline. Affected: yes.
Comment: In silico analysis indicates that this missense variant does not alter protein structure/function; Has not been previously published as pathogenic or benign to our knowledge

Blueprint Genetics
Classification: Likely benign. Last evaluated: 2024-10-09. Review status: criteria provided, single submitter. Criteria: ACMG Guidelines, 2015. Collection method: clinical testing. Allele origin: germline.

Ambry Genetics
Classification: Likely benign for Inborn genetic diseases. Last evaluated: 2022-02-10. Review status: criteria provided, single submitter. Criteria: Ambry Variant Classification Scheme 2023. Collection method: clinical testing. Allele origin: germline.

Center for Genomics, Ann and Robert H. Lurie Children's Hospital of Chicago
Classification: Uncertain significance for Leukocyte adhesion deficiency 3. Last evaluated: 2021-03-30. Review status: criteria provided, single submitter. Criteria: ACMG Guidelines, 2015. Collection method: clinical testing. Allele origin: germline.
Comment: FERMT3 NM_178443 exon 6 p.Ala246Thr (c.736G>A): This variant has not been reported in the literature but is present in 0.7% (170/24026) African alleles in the Genome Aggregation Database. This variant amino acid Threonine (Thr) is present in >20 species including mammals and is not well conserved among evolutionarily distant species; this suggests that this variant may not impact the protein. Additional computational prediction tools do not suggest an impact. In summary, data on this variant is insufficient for disease classification. Therefore, the clinical significance of this variant is uncertain.

PreventionGenetics, part of Exact Sciences
Classification: Benign for FERMT3-related condition. Last evaluated: 2020-01-06. Review status: no assertion criteria provided. Collection method: clinical testing. Allele origin: germline. Not counted in ClinVar's aggregate classification.
Comment: This variant is classified as benign based on ACMG/AMP sequence variant interpretation guidelines (Richards et al. 2015 PMID: 25741868, with internal and published modifications).